The following is an entry in ClinVar:

ClinVar aggregate classification (germline): Uncertain significance (1 of 4 stars; one submission).

gnomAD v4.1: 38 of 1,610,560 alleles (0.0024%); highest among the groups gnomAD compares: South Asian, 0.0077%; no homozygotes.

Submission:

GeneDx
Classification: Uncertain significance. Last evaluated: 2023-10-26. Review status: criteria provided, single submitter. Criteria: GeneDx Variant Classification Process June 2021. Collection method: clinical testing. Allele origin: germline. Affected: yes.
Comment: In silico analysis supports that this missense variant has a deleterious effect on protein structure/function; Has not been previously published as pathogenic or benign to our knowledge

NM_001039141.3(TRIOBP):c.4952C>T (p.Pro1651Leu)

Gene: TRIOBP (TRIO and F-actin binding protein; plus strand). Cytogenetic location: 22q13.1.
Variant type: single nucleotide variant.
Coding change: c.4952C>T on transcript NM_001039141.3 (MANE Select); coding-DNA position 4952, C replaced by T.
Protein change: p.Pro1651Leu; replaces proline 1651 with leucine.
Molecular consequence: missense variant.
Genome position (GRCh38, 1-based): chr22:37,735,288, C>T. VCF-style: chr22-37735288-C-T. GRCh37 (hg19) VCF-style: chr22-38131295-C-T.
Other names: short protein forms P1651L.
Identifiers: ClinVar variation 3363521 (VCV003363521.1).
Genomic context (GRCh38, chr22:37,735,288, plus strand): 5'-AAGGCTGGGCCGAGGCCACCCCAGTCAATGGACACAGCCCCGCACTGCAGTCCCAGAGCC[C>T]GGTCCAGCTGCCCAGCCCTGCCTGCACCTCCACCCAGTGGCCAAAGATCAAAGTGACAAG-3'
Protein context (NP_001034230.1, residues 1641-1661): GHSPALQSQS[Pro1651Leu]VQLPSPACTS